The following is an entry in ClinVar:

ClinVar aggregate classification (germline): Likely benign (0 of 4 stars; one submission).

Conditions:
POFUT1-related disorder. Also called: POFUT1-related condition.

Allele frequency attached by ClinVar (database versions not stated): gnomAD 0.00001; gnomAD exomes 0.00001; ExAC 0.00002; TOPMed 0.00002.
gnomAD v4.1: 13 of 1,614,096 alleles (0.00081%); highest among the groups gnomAD compares: East Asian, 0.018%; no homozygotes.

Submission:

PreventionGenetics, part of Exact Sciences
Classification: Likely benign for POFUT1-related condition. Last evaluated: 2019-05-29. Review status: no assertion criteria provided. Collection method: clinical testing. Allele origin: germline.
Comment: This variant is classified as likely benign based on ACMG/AMP sequence variant interpretation guidelines (Richards et al. 2015 PMID: 25741868, with internal and published modifications).

NM_015352.2(POFUT1):c.1056C>G (p.Gly352=)

Gene: POFUT1 (protein O-fucosyltransferase 1; plus strand). Cytogenetic location: 20q11.21.
Variant type: single nucleotide variant.
Coding change: c.1056C>G on transcript NM_015352.2 (MANE Select); coding-DNA position 1056, C replaced by G.
Protein change: p.Gly352=; no amino-acid change (glycine 352 retained).
Molecular consequence: synonymous variant.
Genome position (GRCh38, 1-based): chr20:32,234,550, C>G. VCF-style: chr20-32234550-C-G. GRCh37 (hg19) VCF-style: chr20-30822353-C-G.
Identifiers: ClinVar variation 3038614 (VCV003038614.2), dbSNP rs766117918, ClinGen allele CA9807469.